The following is an entry in ClinVar:

NM_001399.5(EDA):c.589C>A (p.Gln197Lys)

Gene: EDA (ectodysplasin A; plus strand). Cytogenetic location: Xq13.1.
Variant type: single nucleotide variant.
Coding change: c.589C>A on transcript NM_001399.5 (MANE Select); coding-DNA position 589, C replaced by A.
Protein change: p.Gln197Lys; replaces glutamine 197 with lysine.
Molecular consequence: missense variant.
Genome position (GRCh38, 1-based): chrX:70,027,919, C>A. VCF-style: chrX-70027919-C-A. GRCh37 (hg19) VCF-style: chrX-69247769-C-A.
Other names: c.589C>A, p.Gln197Lys (NM_001005609.2, NM_001005612.3, NM_001440761.1 and 1 more transcripts); short protein forms Q197K.
Identifiers: ClinVar variation 4743588 (VCV004743588.1).

ClinVar aggregate classification (germline): Uncertain significance (1 of 4 stars; one submission).

Conditions:
Hypohidrotic X-linked ectodermal dysplasia (XHED). Also called: Ectodermal Dysplasia 1, Anhidrotic; ECTODERMAL DYSPLASIA, HYPOHIDROTIC, 1; CST SYNDROME; ECTODERMAL DYSPLASIA 1; Anhidrotic ectodermal dysplasia X-linked; Christ Siemens Touraine syndrome. Identifiers: Orphanet 181, Orphanet 238468, MedGen C0162359, MONDO:0010585, OMIM 305100.

Submission:

Labcorp Genetics (formerly Invitae), Labcorp
Classification: Uncertain significance for Hypohidrotic X-linked ectodermal dysplasia. Last evaluated: 2026-01-09. Review status: criteria provided, single submitter. Criteria: Invitae Variant Classification Sherloc (09022015). Collection method: clinical testing. Allele origin: germline.
Comment: This sequence change replaces glutamine, which is neutral and polar, with lysine, which is basic and polar, at codon 197 of the EDA protein (p.Gln197Lys). This variant is not present in population databases (gnomAD no frequency). This variant has not been reported in the literature in individuals affected with EDA-related conditions. Invitae Evidence Modeling of protein sequence and biophysical properties (such as structural, functional, and spatial information, amino acid conservation, physicochemical variation, residue mobility, and thermodynamic stability) indicates that this missense variant is not expected to disrupt EDA protein function with a negative predictive value of 80%. In summary, the available evidence is currently insufficient to determine the role of this variant in disease. Therefore, it has been classified as a Variant of Uncertain Significance.